The following is an entry in ClinVar:

NM_000038.6(APC):c.1726G>A (p.Ala576Thr)

Gene: APC (APC regulator of Wnt signaling pathway; plus strand). Cytogenetic location: 5q22.2.
Variant type: single nucleotide variant.
Coding change: c.1726G>A on transcript NM_000038.6 (MANE Select); coding-DNA position 1726, G replaced by A.
Protein change: p.Ala576Thr; replaces alanine 576 with threonine.
Molecular consequence: missense variant.
Genome position (GRCh38, 1-based): chr5:112,828,955, G>A. VCF-style: chr5-112828955-G-A. GRCh37 (hg19) VCF-style: chr5-112164652-G-A.
Other names: c.1726G>A, p.Ala576Thr (NM_001127510.3, NM_001354895.2); c.1672G>A, p.Ala558Thr (NM_001127511.3); c.1780G>A, p.Ala594Thr (NM_001354896.2); c.1756G>A, p.Ala586Thr (NM_001354897.2); c.1651G>A, p.Ala551Thr (NM_001354898.2); c.1642G>A, p.Ala548Thr (NM_001354899.2); c.1603G>A, p.Ala535Thr (NM_001354900.2); c.1549G>A, p.Ala517Thr (NM_001354901.2); and 5 more; short protein forms A416T, A551T, A576T, A517T, A558T, A586T, A594T, A450T.
Identifiers: ClinVar variation 1390412 (VCV001390412.6), dbSNP rs2149818362, ClinGen allele CA16025083.
Genomic context (GRCh38, chr5:112,828,955, plus strand): 5'-GATGTAAATAGTAAAAAGACGTTGCGAGAAGTTGGAAGTGTGAAAGCATTGATGGAATGT[G>A]CTTTAGAAGTTAAAAAGGTACCTTTGAAAACATTTAGTACTATAATATGAATTTCATGTT-3'
Protein context (NP_000029.2, residues 566-586): VGSVKALMEC[Ala576Thr]LEVKKESTLK

ClinVar aggregate classification (germline): Uncertain significance (1 of 4 stars; one submission).

Conditions:
Familial adenomatous polyposis 1 (FAP1). Also called: FAMILIAL ADENOMATOUS POLYPOSIS 1, ATTENUATED; POLYPOSIS, ADENOMATOUS INTESTINAL. Identifiers: MedGen C2713442, MONDO:0021056, OMIM 175100. Disease mechanism: loss of function.

Submission:

Labcorp Genetics (formerly Invitae), Labcorp
Classification: Uncertain significance for Familial adenomatous polyposis 1. Last evaluated: 2024-09-23. Review status: criteria provided, single submitter. Criteria: Invitae Variant Classification Sherloc (09022015). Collection method: clinical testing. Allele origin: germline.
Comment: This sequence change replaces alanine, which is neutral and non-polar, with threonine, which is neutral and polar, at codon 576 of the APC protein (p.Ala576Thr). This variant is not present in population databases (gnomAD no frequency). This variant has not been reported in the literature in individuals affected with APC-related conditions. ClinVar contains an entry for this variant (Variation ID: 1390412). Invitae Evidence Modeling of protein sequence and biophysical properties (such as structural, functional, and spatial information, amino acid conservation, physicochemical variation, residue mobility, and thermodynamic stability) indicates that this missense variant is not expected to disrupt APC protein function with a negative predictive value of 95%. In summary, the available evidence is currently insufficient to determine the role of this variant in disease. Therefore, it has been classified as a Variant of Uncertain Significance.